The following is an entry in ClinVar:

NM_024685.4(BBS10):c.184C>T (p.His62Tyr)

Gene: BBS10 (Bardet-Biedl syndrome 10; minus strand). Cytogenetic location: 12q21.2.
Variant type: single nucleotide variant.
Coding change: c.184C>T on transcript NM_024685.4 (MANE Select); coding-DNA position 184, C replaced by T.
Protein change: p.His62Tyr; replaces histidine 62 with tyrosine.
Molecular consequence: missense variant.
Genome position (GRCh38, 1-based): chr12:76,348,175, G>A on the plus strand (C>T on the coding strand, the complement: BBS10 is on the minus strand). VCF-style: chr12-76348175-G-A. GRCh37 (hg19) VCF-style: chr12-76741955-G-A.
Other names: short protein forms H62Y.
Identifiers: ClinVar variation 4063680 (VCV004063680.2).

ClinVar aggregate classification (germline): Likely pathogenic (1 of 4 stars; one submission).

Conditions:
Bardet-Biedl syndrome 10 (BBS10). Identifiers: Orphanet 110, MedGen C1859568, MONDO:0014438, OMIM 615987.

gnomAD v4.1: 1 of 1,611,614 alleles (0.000062%); highest among the groups gnomAD compares: East Asian, 0.0022%; no homozygotes.

Submission:

Natera, Inc.
Classification: Likely pathogenic for Bardet-Biedl syndrome type 10. Last evaluated: 2025-04-30. Review status: criteria provided, single submitter. Criteria: Natera Variant Classification Schema (03/2026). Collection method: clinical testing. Allele origin: germline.
Comment: The c.184C>T variant in BBS10 is a missense variant predicted to cause substitution of histidine to tyrosine at amino acid 62. This variant is rare in the general population with a frequency below the threshold expected for the associated phenotype(s). This variant has been observed in one or more individuals affected with the associated recessive disease, as either homozygous or compound heterozygous with a second variant (PMID: 38034494). A different variant at the same position has been determined to be Pathogenic or Likely Pathogenic. Computational prediction algorithms indicate this variant is likely to affect gene or protein function. Given the available evidence, this variant is classified as Likely Pathogenic.

Literature cited by the submitters: PubMed 38034494.